The following is an entry in ClinVar:

ClinVar aggregate classification (germline): Uncertain significance (1 of 4 stars; one submission).

Conditions:
Diamond-Blackfan anemia. Also called: Blackfan Diamond syndrome; Aregenerative anemia chronic congenital; Red cell aplasia, pure hereditary; Congenital hypoplastic anemia; Aase syndrome. Identifiers: Orphanet 124, MedGen C1260899, MeSH D029503, MONDO:0015253, HP:0004810.
GATA binding protein 1 related thrombocytopenia with dyserythropoiesis. Also called: GATA1-Related Cytopenia; GATA1-Related X-Linked Cytopenia. Identifiers: MedGen C1845837, MONDO:0100089.

Submission:

Labcorp Genetics (formerly Invitae), Labcorp
Classification: Uncertain significance for GATA binding protein 1 related thrombocytopenia with dyserythropoiesis; Diamond-Blackfan anemia. Last evaluated: 2023-07-25. Review status: criteria provided, single submitter. Criteria: Invitae Variant Classification Sherloc (09022015). Collection method: clinical testing. Allele origin: germline.
Comment: This sequence change replaces glutamic acid, which is acidic and polar, with lysine, which is basic and polar, at codon 85 of the GATA1 protein (p.Glu85Lys). This variant is not present in population databases (gnomAD no frequency). This variant has not been reported in the literature in individuals affected with GATA1-related conditions. Advanced modeling of protein sequence and biophysical properties (such as structural, functional, and spatial information, amino acid conservation, physicochemical variation, residue mobility, and thermodynamic stability) performed at Invitae indicates that this missense variant is not expected to disrupt GATA1 protein function. In summary, the available evidence is currently insufficient to determine the role of this variant in disease. Therefore, it has been classified as a Variant of Uncertain Significance.

NM_002049.4(GATA1):c.253G>A (p.Glu85Lys)

Gene: GATA1 (GATA binding protein 1; plus strand). Cytogenetic location: Xp11.23.
Variant type: single nucleotide variant.
Coding change: c.253G>A on transcript NM_002049.4 (MANE Select); coding-DNA position 253, G replaced by A.
Protein change: p.Glu85Lys; replaces glutamic acid 85 with lysine.
Molecular consequence: missense variant.
Genome position (GRCh38, 1-based): chrX:48,791,876, G>A. VCF-style: chrX-48791876-G-A. GRCh37 (hg19) VCF-style: chrX-48650283-G-A.
Other names: short protein forms E85K.
Identifiers: ClinVar variation 2950279 (VCV002950279.3), dbSNP rs2519344382, ClinGen allele CA412867611.
Genomic context (GRCh38, chrX:48,791,876, plus strand): 5'-TTCCTCCATCCCTACCTGCCCCCAACAGTCTTTCAGGTGTACCCATTGCTCAACTGTATG[G>A]AGGGGATCCCAGGGGGCTCACCATATGCCGGCTGGGCCTACGGCAAGACGGGGCTCTACC-3'
Protein context (NP_002040.1, residues 75-95): FQVYPLLNCM[Glu85Lys]GIPGGSPYAG